The following is an entry in ClinVar:

NM_000138.5(FBN1):c.2167+6G>A

Gene: FBN1 (fibrillin 1; minus strand). Cytogenetic location: 15q21.1.
Variant type: single nucleotide variant.
Coding change: c.2167+6G>A on transcript NM_000138.5 (MANE Select); 6 bases into the intron after coding-DNA position 2167, G replaced by A.
Molecular consequence: intron variant.
Genome position (GRCh38, 1-based): chr15:48,498,979, C>T on the plus strand (G>A on the coding strand, the complement: FBN1 is on the minus strand). VCF-style: chr15-48498979-C-T. GRCh37 (hg19) VCF-style: chr15-48791176-C-T.
Other names: c.2167+6G>A (NM_001406716.1).
Identifiers: ClinVar variation 4759126 (VCV004759126.1).

ClinVar aggregate classification (germline): Uncertain significance (1 of 4 stars; one submission).

Conditions:
Familial thoracic aortic aneurysm and aortic dissection (TAAD). Also called: Thoracic aortic aneurysms and dissections. Identifiers: Orphanet 91387, MedGen C4707243, MONDO:0019625.

Submission:

Color Diagnostics, LLC DBA Color Health
Classification: Uncertain significance for Familial thoracic aortic aneurysm and aortic dissection. Last evaluated: 2025-07-25. Review status: criteria provided, single submitter. Criteria: ACMG Guidelines, 2015. Collection method: clinical testing. Allele origin: germline.
Comment: This variant causes a G to A nucleotide substitution at the +6 position of intron 18/65 of the FBN1 gene. To our knowledge, functional studies have not been reported for this variant. This variant has not been reported in individuals affected with FBN1-related disorders in the literature. This variant has not been identified in the general population by the Genome Aggregation Database (gnomAD). The available evidence is insufficient to determine the role of this variant in disease conclusively. Therefore, this variant is classified as a Variant of Uncertain Significance.